The following is an entry in ClinVar:

NM_001035.3(RYR2):c.12031G>A (p.Glu4011Lys)

Gene: RYR2 (ryanodine receptor 2; plus strand). Cytogenetic location: 1q43.
Variant type: single nucleotide variant.
Coding change: c.12031G>A on transcript NM_001035.3 (MANE Select); coding-DNA position 12031, G replaced by A.
Protein change: p.Glu4011Lys; replaces glutamic acid 4011 with lysine.
Molecular consequence: missense variant.
Genome position (GRCh38, 1-based): chr1:237,783,743, G>A. VCF-style: chr1-237783743-G-A. GRCh37 (hg19) VCF-style: chr1-237947043-G-A.
Other names: short protein forms E4011K.
Identifiers: ClinVar variation 969513 (VCV000969513.12), dbSNP rs771155451, ClinGen allele CA345411931.

ClinVar aggregate classification (germline): Conflicting classifications of pathogenicity. Review status: criteria provided, conflicting classifications (1 of 4 stars). 2 submissions from 2 submitters: Likely pathogenic (1); Uncertain significance (1). Last evaluated 2021-10-27.

Conditions:
Catecholaminergic polymorphic ventricular tachycardia 1. Also called: VENTRICULAR TACHYCARDIA, CATECHOLAMINERGIC POLYMORPHIC, 1, WITH OR WITHOUT ATRIAL DYSFUNCTION AND/OR DILATED CARDIOMYOPATHY; VENTRICULAR TACHYCARDIA, STRESS-INDUCED POLYMORPHIC 1; RYR2-Related Catecholaminergic Polymorphic Ventricular Tachycardia. Identifiers: Orphanet 3286, MedGen C1631597, MONDO:0011484, OMIM 604772.
RYR2-related disorder. Also called: RYR2-related condition.

Submissions (2):

Blueprint Genetics
Classification: Likely pathogenic for RYR2-related disorders. Last evaluated: 2021-10-27. Review status: criteria provided, single submitter. Criteria: ACMG Guidelines, 2015. Collection method: clinical testing. Allele origin: germline. Affected: yes. Observed: 1 variant allele.

Labcorp Genetics (formerly Invitae), Labcorp
Classification: Uncertain significance for Catecholaminergic polymorphic ventricular tachycardia 1. Last evaluated: 2019-11-07. Review status: criteria provided, single submitter. Criteria: Invitae Variant Classification Sherloc (09022015). Collection method: clinical testing. Allele origin: germline.
Comment: In summary, the available evidence is currently insufficient to determine the role of this variant in disease. Therefore, it has been classified as a Variant of Uncertain Significance. Algorithms developed to predict the effect of missense changes on protein structure and function are either unavailable or do not agree on the potential impact of this missense change (SIFT: "Tolerated"; PolyPhen-2: "Benign"; Align-GVGD: "Class C0"). This variant has been observed in individual(s) with clinical features of catecholaminergic polymorphic ventricular tachycardia (Invitae). This variant is not present in population databases (ExAC no frequency). This sequence change replaces glutamic acid with lysine at codon 4011 of the RYR2 protein (p.Glu4011Lys). The glutamic acid residue is highly conserved and there is a small physicochemical difference between glutamic acid and lysine.